The following is an entry in ClinVar:

ClinVar aggregate classification (germline): Pathogenic. Review status: criteria provided, multiple submitters, no conflicts (2 of 4 stars). 2 submissions from 2 submitters: Pathogenic (2). Last evaluated 2024-11-11.

Conditions:
Sitosterolemia 1. Identifiers: MedGen C2749759, MONDO:0020747, OMIM 210250.

gnomAD v4.1: 16 of 1,613,680 alleles (0.00099%); highest among the groups gnomAD compares: Non-Finnish European, 0.0014%; no homozygotes.

Submissions (2):

Labcorp Genetics (formerly Invitae), Labcorp
Classification: Pathogenic. Last evaluated: 2024-11-11. Review status: criteria provided, single submitter. Criteria: Invitae Variant Classification Sherloc (09022015). Collection method: clinical testing. Allele origin: germline.
Comment: This sequence change creates a premature translational stop signal (p.Trp584*) in the ABCG8 gene. It is expected to result in an absent or disrupted protein product. Loss-of-function variants in ABCG8 are known to be pathogenic (PMID: 11452359, 15375183, 16029460). This variant is present in population databases (rs754182905, gnomAD 0.0009%). This variant has not been reported in the literature in individuals affected with ABCG8-related conditions. ClinVar contains an entry for this variant (Variation ID: 1698995). For these reasons, this variant has been classified as Pathogenic.

Victorian Clinical Genetics Services, Murdoch Childrens Research Institute
Classification: Pathogenic for Sitosterolemia 1. Last evaluated: 2022-06-24. Review status: criteria provided, single submitter. Criteria: ACMG Guidelines, 2015. Collection method: clinical testing. Allele origin: germline. Inheritance: Autosomal recessive inheritance. Affected: yes.
Comment: Based on the classification scheme VCGS_Germline_v1.3.4, this variant is classified as Pathogenic. Following criteria are met: 0102 - Loss of function is a known mechanism of disease in this gene and is associated with sitosterolemia 1 (MIM#210250). (I) 0106 - This gene is associated with autosomal recessive disease. However, at least one family has been reported with a heterozygous ABCG8 variant that appeared to segregate in an autosomal dominant manner with hypercholesterolaemia (PMID: 31327807). However, this association is not well established and other sources conclude that heterozygous variants in this gene may only be a partial and multifactorial contributor to hypercholesterolaemia (PMIDs: 35549507, 32088153). (I) 0201 - Variant is predicted to cause nonsense-mediated decay (NMD) and loss of protein (premature termination codon is located at least 54 nucleotides upstream of the final exon-exon junction). (SP) 0251 - This variant is heterozygous. (I) 0304 - Variant is present in gnomAD (v2) <0.01 for a recessive condition (1 heterozygote, 0 homozygotes). (SP) 0701 - Other NMD predicted variants comparable to the one identified in this case have very strong previous evidence for pathogenicity (DECIPHER, PMID: 35549507). (SP) 0807 - This variant has no previous evidence of pathogenicity. (I) 0905 - No published segregation evidence has been identified for this variant. (I) 1007 - No published functional evidence has been identified for this variant. (I) 1208 - Inheritance information for this variant is not currently available in this individual. (I) Legend: (SP) - Supporting pathogenic, (I) - Information, (SB) - Supporting benign

Literature cited by the submitters: PubMed 11452359 (cited by Labcorp Genetics (formerly Invitae), Labcorp); PubMed 15375183 (cited by Labcorp Genetics (formerly Invitae), Labcorp); PubMed 16029460 (cited by Labcorp Genetics (formerly Invitae), Labcorp); PubMed 31327807 (cited by Victorian Clinical Genetics Services, Murdoch Childrens Research Institute); PubMed 32088153 (cited by Victorian Clinical Genetics Services, Murdoch Childrens Research Institute); PubMed 35549507 (cited by Victorian Clinical Genetics Services, Murdoch Childrens Research Institute).

NM_022437.3(ABCG8):c.1752G>A (p.Trp584Ter)

Gene: ABCG8 (ATP binding cassette subfamily G member 8; plus strand). Cytogenetic location: 2p21.
Variant type: single nucleotide variant.
Coding change: c.1752G>A on transcript NM_022437.3 (MANE Select); coding-DNA position 1752, G replaced by A.
Protein change: p.Trp584Ter; replaces tryptophan 584 with a stop codon.
Molecular consequence: nonsense.
Genome position (GRCh38, 1-based): chr2:43,875,409, G>A. VCF-style: chr2-43875409-G-A. GRCh37 (hg19) VCF-style: chr2-44102548-G-A.
Other names: c.1749G>A, p.Trp583Ter (NM_001357321.2); short protein forms W583*, W584*.
Identifiers: ClinVar variation 1698995 (VCV001698995.5), dbSNP rs754182905, ClinGen allele CA1637612.